The following is an entry in ClinVar:

NM_031407.7(HUWE1):c.11453G>C (p.Ser3818Thr)

Gene: HUWE1 (HECT, UBA and WWE domain containing E3 ubiquitin protein ligase 1; minus strand). Cytogenetic location: Xp11.22.
Variant type: single nucleotide variant.
Coding change: c.11453G>C on transcript NM_031407.7 (MANE Select); coding-DNA position 11453, G replaced by C.
Protein change: p.Ser3818Thr; replaces serine 3818 with threonine.
Molecular consequence: missense variant.
Genome position (GRCh38, 1-based): chrX:53,542,466, C>G on the plus strand (G>C on the coding strand, the complement: HUWE1 is on the minus strand). VCF-style: chrX-53542466-C-G. GRCh37 (hg19) VCF-style: chrX-53569427-C-G.
Other names: short protein forms S3818T.
Identifiers: ClinVar variation 3364638 (VCV003364638.2).
Genomic context (GRCh38, chrX:53,542,466, plus strand): 5'-CCCTTTTGCTCGGCTGGAAACAGGAAGTAGTACTGACCAATGGATTGAGTATCTTGAGCA[C>G]TGGGAGATGGCTGGTCCACATCCATGGGTGATTCCTCCCTCCGGACAGACGCCTCTGACT-3'
Protein context (NP_113584.3, residues 3808-3828): SPMDVDQPSP[Ser3818Thr]AQDTQSIASD

ClinVar aggregate classification (germline): Uncertain significance (1 of 4 stars; one submission).

Submission:

GeneDx
Classification: Uncertain significance. Last evaluated: 2026-09-03. Review status: criteria provided, single submitter. Criteria: GeneDx Variant Classification Process June 2021. Collection method: clinical testing. Allele origin: germline.
Comment: Not observed at significant frequency in large population cohorts (gnomAD); In silico analysis suggests that this missense variant does not alter protein structure/function; Has not been previously published as pathogenic or benign to our knowledge